The following is an entry in ClinVar:

NM_001018115.3(FANCD2):c.1668C>T (p.His556=)

Genes: FANCD2 (FA complementation group D2; plus strand), LOC107303338 (3p25 FANCD2 Alu-mediated recombination region; plus strand). Cytogenetic location: 3p25.3.
Variant type: single nucleotide variant.
Coding change: c.1668C>T on transcript NM_001018115.3 (MANE Select); coding-DNA position 1668, C replaced by T.
Protein change: p.His556=; no amino-acid change (histidine 556 retained).
Molecular consequence: synonymous variant.
Genome position (GRCh38, 1-based): chr3:10,060,305, C>T. VCF-style: chr3-10060305-C-T. GRCh37 (hg19) VCF-style: chr3-10101989-C-T.
Other names: c.1668C>T, p.His556= (NM_001319984.2, NM_001374254.1, NM_033084.6); c.1557C>T, p.His519= (NM_001374253.1).
Identifiers: ClinVar variation 1630669 (VCV001630669.15), dbSNP rs2125026611, ClinGen allele CA432398215.
Genomic context (GRCh38, chr3:10,060,305, plus strand): 5'-TTGCTGTGCCATTCCAGCATTTTCATCTTTCTTCATCATCTCATTGCAGGATGACATGCA[C>T]TTGGTGATAAGAAAGCAGCTCTCTAGCACCGTATTCAAGTACAAGCTCATTGGGATTATT-3'
Protein context (NP_001018125.1, residues 546-566): EASSHIQDDM[His556=]LVIRKQLSST

ClinVar aggregate classification (germline): Likely benign. Review status: criteria provided, multiple submitters, no conflicts (2 of 4 stars). 2 submissions from 2 submitters: Likely benign (2). Last evaluated 2025-09-01.

Conditions:
Fanconi anemia (FA). Also called: Fanconi's anemia. Identifiers: Orphanet 84, MedGen C0015625, MeSH D005199, MONDO:0019391.

Allele frequency attached by ClinVar (database versions not stated): gnomAD exomes below 0.00001.
gnomAD v4.1: 1 of 1,611,022 alleles (0.000062%); no homozygotes.

Submissions (2):

CeGaT Center for Human Genetics Tuebingen
Classification: Likely benign. Last evaluated: 2025-09-01. Review status: criteria provided, single submitter. Criteria: CeGaT Center For Human Genetics Tuebingen Variant Classification Criteria Version 2. Collection method: clinical testing. Allele origin: germline. Affected: yes. Observed: 1 variant allele.
Comment: FANCD2: BP4, BP7

Labcorp Genetics (formerly Invitae), Labcorp
Classification: Likely benign for Fanconi anemia. Last evaluated: 2023-11-21. Review status: criteria provided, single submitter. Criteria: Invitae Variant Classification Sherloc (09022015). Collection method: clinical testing. Allele origin: germline.